The following is an entry in ClinVar:

ClinVar aggregate classification (germline): Likely pathogenic (0 of 4 stars; one submission).

Conditions:
Nephrotic syndrome. Identifiers: MedGen C0027726, MONDO:0005377, HP:0000100.

Allele frequency attached by ClinVar (database versions not stated): gnomAD exomes below 0.00001; ExAC 0.00001.
gnomAD v4.1: 4 of 1,614,050 alleles (0.00025%); highest among the groups gnomAD compares: Non-Finnish European, 0.00034%; no homozygotes.

Submission:

Sydney Genome Diagnostics, Children's Hospital Westmead
Classification: Likely pathogenic for Nephrotic syndrome. Last evaluated: 2014-04-18. Review status: no assertion criteria provided. Collection method: clinical testing. Allele origin: unknown. Affected: yes. Observed: 1 variant allele, 1 compound heterozygote.
Comment: To our knowledge, this variant has not been reported as being associated with disease in the literature or any disease specific databases. However, this variant (dbSNP: rs781347673) has been previously reported in the in the gnomAD browser with a very low minor allele frequency of 0.0004% (1 out of 246218 alleles). In silico analysis (through Alamut Visual v2.8.1) using PolyPhen2, SIFT and MutationTaster all predict this variant to be a likely pathogenic variant. However, this analysis alone cannot be used to confirm pathogenicity. The c.1567C>T p.(Arg523Trp) variant is considered to be likely pathogenic according to the ACMG guidelines.

NM_004998.4(MYO1E):c.1567C>T (p.Arg523Trp)

Gene: MYO1E (myosin IE; minus strand). Cytogenetic location: 15q22.2.
Variant type: single nucleotide variant.
Coding change: c.1567C>T on transcript NM_004998.4 (MANE Select); coding-DNA position 1567, C replaced by T.
Protein change: p.Arg523Trp; replaces arginine 523 with tryptophan.
Molecular consequence: missense variant.
Genome position (GRCh38, 1-based): chr15:59,205,449, G>A on the plus strand (C>T on the coding strand, the complement: MYO1E is on the minus strand). VCF-style: chr15-59205449-G-A. GRCh37 (hg19) VCF-style: chr15-59497648-G-A.
Other names: short protein forms R523W.
Identifiers: ClinVar variation 988196 (VCV000988196.1), dbSNP rs781347673, ClinGen allele CA7589584.
Genomic context (GRCh38, chr15:59,205,449, plus strand): 5'-AACATACTTACAGCTCGCTGCTCTGCATAAGCTCGATGAGATCCATAAAAAGCACATCCC[G>A]GTTCCTTTCACAAAAGCCATCCATGTCATAGGATACCTGGCCAAGAATGGAAAGAAATCG-3'
Protein context (NP_004989.2, residues 513-533): YDMDGFCERN[Arg523Trp]DVLFMDLIEL